The following is an entry in ClinVar:

NM_002617.4(PEX10):c.601-39C>T

Gene: PEX10 (peroxisomal biogenesis factor 10; minus strand). Cytogenetic location: 1p36.32.
Variant type: single nucleotide variant.
Coding change: c.601-39C>T on transcript NM_002617.4 (MANE Select); 39 bases into the intron before coding-DNA position 601, C replaced by T.
Molecular consequence: intron variant. On other transcripts: missense variant (3).
Genome position (GRCh38, 1-based): chr1:2,406,934, G>A on the plus strand (C>T on the coding strand, the complement: PEX10 is on the minus strand). VCF-style: chr1-2406934-G-A. GRCh37 (hg19) VCF-style: chr1-2338373-G-A.
Other names: c.619C>T, p.Leu207Phe (NM_001374425.1); c.187C>T, p.Leu63Phe (NM_001374426.1); c.622C>T, p.Leu208Phe (NM_153818.2); c.169-39C>T (NM_001374427.1); short protein forms L63F, L208F, L207F.
Identifiers: ClinVar variation 1388514 (VCV001388514.3), dbSNP rs1469160710, ClinGen allele CA337985939.
Genomic context (GRCh38, chr1:2,406,934, plus strand): 5'-CGGGCAGGCTGCGGACACGGAGCTGTAAGGCAGATGGCGCCACACTCATCAGGACCCTGA[G>A]GGGATCTGGCCTCAGCGCCTGCTGGGAGGGTCACACGTTCAGTTGGCACAGAGCACGTTA-3'

ClinVar aggregate classification (germline): Uncertain significance (1 of 4 stars; one submission).

Conditions:
Peroxisome biogenesis disorder, complementation group 7 (CG7). Also called: Peroxisome biogenesis disorder, complementation group B. Identifiers: MedGen C1864399.

Allele frequency attached by ClinVar (database versions not stated): gnomAD exomes below 0.00001; gnomAD 0.00001.
gnomAD v4.1: 2 of 1,596,490 alleles (0.00013%); highest among the groups gnomAD compares: Admixed American, 0.0017%; no homozygotes.

Submission:

Labcorp Genetics (formerly Invitae), Labcorp
Classification: Uncertain significance for Peroxisome biogenesis disorder, complementation group 7. Last evaluated: 2021-11-02. Review status: criteria provided, single submitter. Criteria: Invitae Variant Classification Sherloc (09022015). Collection method: clinical testing. Allele origin: germline.
Comment: This sequence change replaces leucine, which is neutral and non-polar, with phenylalanine, which is neutral and non-polar, at codon 208 of the PEX10 protein (p.Leu208Phe). This variant is present in population databases (no rsID available, gnomAD 0.1%). This variant has not been reported in the literature in individuals affected with PEX10-related conditions. Algorithms developed to predict the effect of missense changes on protein structure and function are either unavailable or do not agree on the potential impact of this missense change (SIFT: "Deleterious"; PolyPhen-2: "Benign"; Align-GVGD: "Class C0"). In summary, the available evidence is currently insufficient to determine the role of this variant in disease. Therefore, it has been classified as a Variant of Uncertain Significance.